The following is an entry in ClinVar:

ClinVar aggregate classification (germline): Likely benign (0 of 4 stars; one submission).

Conditions:
DLX4-related disorder. Also called: DLX4-related condition.

Allele frequency attached by ClinVar (database versions not stated): TOPMed 0.00005; gnomAD 0.00009; ExAC 0.00010; gnomAD exomes 0.00010; 1000 Genomes Project 0.00020; 1000 Genomes Project 30x 0.00031.
gnomAD v4.1: 154 of 1,511,532 alleles (0.01%); highest among the groups gnomAD compares: Middle Eastern, 0.14%; 3 homozygotes.

Submission:

PreventionGenetics, part of Exact Sciences
Classification: Likely benign for DLX4-related condition. Last evaluated: 2019-02-27. Review status: no assertion criteria provided. Collection method: clinical testing. Allele origin: germline.
Comment: This variant is classified as likely benign based on ACMG/AMP sequence variant interpretation guidelines (Richards et al. 2015 PMID: 25741868, with internal and published modifications).

NM_138281.3(DLX4):c.507C>T (p.Arg169=)

Gene: DLX4 (distal-less homeobox 4; plus strand). Cytogenetic location: 17q21.33.
Variant type: single nucleotide variant.
Coding change: c.507C>T on transcript NM_138281.3 (MANE Select); coding-DNA position 507, C replaced by T.
Protein change: p.Arg169=; no amino-acid change (arginine 169 retained).
Molecular consequence: synonymous variant.
Genome position (GRCh38, 1-based): chr17:49,973,727, C>T. VCF-style: chr17-49973727-C-T. GRCh37 (hg19) VCF-style: chr17-48051091-C-T.
Other names: c.291C>T, p.Arg97= (NM_001934.4).
Identifiers: ClinVar variation 3048738 (VCV003048738.2), dbSNP rs200916126, ClinGen allele CA8640866.
Genomic context (GRCh38, chr17:49,973,727, plus strand): 5'-TGATCTTTCATTCTTTCCCCTTTTCTTCCCGAAGGTAAAGATCTGGTTTCAGAACAAACG[C>T]TCCAAGTATAAGAAGCTCCTGAAGCAGAATTCTGGGGGGCAGGAAGGGGACTTCCCTGGG-3'
Protein context (NP_612138.1, residues 159-179): TQVKIWFQNK[Arg169=]SKYKKLLKQN